The following is an entry in ClinVar:

NM_004415.4(DSP):c.3981C>A (p.Ile1327=)

Gene: DSP (desmoplakin; plus strand). Cytogenetic location: 6p24.3.
Variant type: single nucleotide variant.
Coding change: c.3981C>A on transcript NM_004415.4 (MANE Select); coding-DNA position 3981, C replaced by A.
Protein change: p.Ile1327=; no amino-acid change (isoleucine 1327 retained).
Molecular consequence: synonymous variant. On other transcripts: intron variant (1).
Genome position (GRCh38, 1-based): chr6:7,580,171, C>A. VCF-style: chr6-7580171-C-A. GRCh37 (hg19) VCF-style: chr6-7580404-C-A.
Other names: c.3981C>A (LRG_423t1); c.3981C>A, p.Ile1327= (NM_001319034.2); c.3582+399C>A (NM_001008844.3).
Identifiers: ClinVar variation 384422 (VCV000384422.16), dbSNP rs397516934, ClinGen allele CA16605148.
Genomic context (GRCh38, chr6:7,580,171, plus strand): 5'-CCGGCACAAGCAGTCCCTGGAGGAGGCTGCCAAGACCATTCAGGACAAAAATAAGGAGAT[C>A]GAGAGACTCAAAGCTGAGTTTCAGGAGGAGGCCAAGCGCCGCTGGGAATATGAAAATGAA-3'
Protein context (NP_004406.2, residues 1317-1337): AKTIQDKNKE[Ile1327=]ERLKAEFQEE

ClinVar aggregate classification (germline): Likely benign. Review status: criteria provided, multiple submitters, no conflicts (2 of 4 stars). 6 submissions from 6 submitters: Likely benign (6). Last evaluated 2026-06-30.

Conditions:
Cardiovascular phenotype. Identifiers: MedGen CN230736.
Cardiomyopathy (CMYO). Also called: Cardiomyopathies. Identifiers: Orphanet 167848, MedGen C0878544, MONDO:0004994, HP:0001638. Inheritance: Various modes of inheritance.
Arrhythmogenic cardiomyopathy with wooly hair and keratoderma. Also called: Dilated cardiomyopathy with woolly hair and keratoderma; Arrhythmogenic cardiomyopathy with woolly hair and keratoderma; Carvajal syndrome; PALMOPLANTAR KERATODERMA WITH LEFT VENTRICULAR CARDIOMYOPATHY AND WOOLLY HAIR. Identifiers: Orphanet 65282, MedGen C1854063, MONDO:0011581, OMIM 605676.
Arrhythmogenic right ventricular dysplasia 8 (ARVD8). Also called: Arrhythmogenic Right Ventricular Dysplasia/Cardiomyopathy 8; ARRHYTHMOGENIC RIGHT VENTRICULAR CARDIOMYOPATHY 8; ARRHYTHMOGENIC RIGHT VENTRICULAR DYSPLASIA, FAMILIAL, 8. Identifiers: MedGen C1843896, MONDO:0011831, OMIM 607450.

Allele frequency attached by ClinVar (database versions not stated): TOPMed 0.00002; 1000 Genomes Project 30x 0.00016; 1000 Genomes Project 0.00020.
gnomAD v4.1: 4 of 1,613,914 alleles (0.00025%); highest among the groups gnomAD compares: African/African-American, 0.0053%; no homozygotes.

Submissions (6):

Women's Health and Genetics/Laboratory Corporation of America, LabCorp
Classification: Likely benign. Last evaluated: 2026-06-30. Review status: criteria provided, single submitter. Criteria: LabCorp Variant Classification Summary - May 2015. Collection method: clinical testing. Allele origin: germline.

Labcorp Genetics (formerly Invitae), Labcorp
Classification: Likely benign for Arrhythmogenic cardiomyopathy with wooly hair and keratoderma; Arrhythmogenic right ventricular dysplasia 8. Last evaluated: 2025-12-29. Review status: criteria provided, single submitter. Criteria: Invitae Variant Classification Sherloc (09022015). Collection method: clinical testing. Allele origin: germline.

All of Us Research Program, National Institutes of Health
Classification: Likely benign for Arrhythmogenic cardiomyopathy with wooly hair and keratoderma. Last evaluated: 2023-05-30. Review status: criteria provided, single submitter. Criteria: ACMG Guidelines, 2015. Collection method: clinical testing. Allele origin: germline. Inheritance: Autosomal dominant inheritance. Observed: 1 variant allele, 1 heterozygote.
Comment: This study involves interpretation of variants in research participants for the purpose of population health screening. Participant phenotype was not available at the time of variant classification. Additional details can be found in publication PMID: 35346344, PMCID: PMC8962531

Color Diagnostics, LLC DBA Color Health
Classification: Likely benign for Cardiomyopathy. Last evaluated: 2021-04-29. Review status: criteria provided, single submitter. Criteria: ACMG Guidelines, 2015. Collection method: clinical testing. Allele origin: germline.

Ambry Genetics
Classification: Likely benign for Cardiovascular phenotype. Last evaluated: 2020-03-04. Review status: criteria provided, single submitter. Criteria: Ambry Variant Classification Scheme 2023. Collection method: clinical testing. Allele origin: germline.

GeneDx
Classification: Likely benign. Last evaluated: 2016-03-04. Review status: criteria provided, single submitter. Criteria: GeneDx Variant Classification (06012015). Collection method: clinical testing. Allele origin: germline. Affected: yes.
Comment: This variant is considered likely benign or benign based on one or more of the following criteria: it is a conservative change, it occurs at a poorly conserved position in the protein, it is predicted to be benign by multiple in silico algorithms, and/or has population frequency not consistent with disease.